The following is an entry in ClinVar:

NM_001287.6(CLCN7):c.397A>G (p.Ile133Val)

Gene: CLCN7 (chloride voltage-gated channel 7; minus strand). Cytogenetic location: 16p13.3.
Variant type: single nucleotide variant.
Coding change: c.397A>G on transcript NM_001287.6 (MANE Select); coding-DNA position 397, A replaced by G.
Protein change: p.Ile133Val; replaces isoleucine 133 with valine.
Molecular consequence: missense variant.
Genome position (GRCh38, 1-based): chr16:1,460,903, T>C on the plus strand (A>G on the coding strand, the complement: CLCN7 is on the minus strand). VCF-style: chr16-1460903-T-C. GRCh37 (hg19) VCF-style: chr16-1510904-T-C.
Other names: c.325A>G, p.Ile109Val (NM_001114331.3); short protein forms I109V, I133V.
Identifiers: ClinVar variation 1484869 (VCV001484869.8), dbSNP rs1448304600, ClinGen allele CA394192619.

ClinVar aggregate classification (germline): Uncertain significance (1 of 4 stars; one submission).

gnomAD v4.1: 1 of 1,613,924 alleles (0.000062%); no homozygotes.

Submission:

Labcorp Genetics (formerly Invitae), Labcorp
Classification: Uncertain significance. Last evaluated: 2021-01-02. Review status: criteria provided, single submitter. Criteria: Invitae Variant Classification Sherloc (09022015). Collection method: clinical testing. Allele origin: germline.
Comment: In summary, the available evidence is currently insufficient to determine the role of this variant in disease. Therefore, it has been classified as a Variant of Uncertain Significance. Advanced modeling of protein sequence and biophysical properties (such as structural, functional, and spatial information, amino acid conservation, physicochemical variation, residue mobility, and thermodynamic stability) performed at Invitae indicates that this missense variant is not expected to disrupt CLCN7 protein function. This variant has not been reported in the literature in individuals with CLCN7-related conditions. This variant is not present in population databases (ExAC no frequency). This sequence change replaces isoleucine with valine at codon 133 of the CLCN7 protein (p.Ile133Val). The isoleucine residue is highly conserved and there is a small physicochemical difference between isoleucine and valine.